The following is an entry in ClinVar:

ClinVar aggregate classification (germline): Pathogenic. Review status: criteria provided, multiple submitters, no conflicts (2 of 4 stars). 3 submissions from 3 submitters: Pathogenic (3). Last evaluated 2025-05-02.

Conditions:
CYP11B1-related disorder. Also called: CYP11B1-related condition.
Deficiency of steroid 11-beta-monooxygenase (CYP11B1). Also called: P450C11B1 DEFICIENCY; STEROID 11-BETA-HYDROXYLASE DEFICIENCY; Congenital adrenal hyperplasia due to 11-beta-hydroxylase deficiency; ADRENAL HYPERPLASIA IV; ADRENAL HYPERPLASIA, CONGENITAL, DUE TO STEROID 11-BETA-HYDROXYLASE DEFICIENCY; 11-BETA-HYDROXYLASE DEFICIENCY. Identifiers: Orphanet 90795, MedGen C0268292, MONDO:0008729, OMIM 202010. Disease mechanism: loss of function.

Allele frequency attached by ClinVar (database versions not stated): gnomAD exomes 0.00001.

Submissions (3):

PreventionGenetics, part of Exact Sciences
Classification: Pathogenic for CYP11B1-related condition. Last evaluated: 2025-05-02. Review status: criteria provided, single submitter. Criteria: ACMG Guidelines, 2015. Collection method: clinical testing. Allele origin: germline.
Comment: The CYP11B1 c.1360C>T variant is predicted to result in the amino acid substitution p.Arg454Cys. This variant has been reported in the homozygous and compound heterozygous states in multiple individuals with steroid 11-beta-hydroxylase deficiency (see for examples, Wu et al. 2010. PubMed ID: 20947076; Zhang et al. 2012. PubMed ID: 22964742; Xu et al. 2019. PubMed ID: 31277073; Lu et al. 2024. PubMed ID: 37486441). In vitro experimental studies have shown this variant significantly reduces 11-beta-hydroxylase activity to 4.5% of wildtype activity (Zhang et al. 2012. PubMed ID: 22964742). An alternate missense substitution affecting the same amino acid (p.Arg454His) has been reported in multiple individuals with steroid 11-beta-hydroxylase deficiency (Xie et al. 2022. PubMed ID: 35685215; Sun et al. 2023. PubMed ID: 36929050). This variant is reported in 0.0018% of alleles in individuals of European (non-Finnish) descent in gnomAD. Given the evidence, the c.1360C>T (p.Arg454Cys) variant is interpreted as pathogenic.

Labcorp Genetics (formerly Invitae), Labcorp
Classification: Pathogenic. Last evaluated: 2024-02-01. Review status: criteria provided, single submitter. Criteria: Invitae Variant Classification Sherloc (09022015). Collection method: clinical testing. Allele origin: germline.
Comment: This sequence change replaces arginine, which is basic and polar, with cysteine, which is neutral and slightly polar, at codon 454 of the CYP11B1 protein (p.Arg454Cys). This variant is present in population databases (no rsID available, gnomAD 0.0009%). This missense change has been observed in individuals with adrenal hyperplasia (PMID: 20529578, 20947076, 22964742, 25911436). It has also been observed to segregate with disease in related individuals. ClinVar contains an entry for this variant (Variation ID: 646125). Advanced modeling of protein sequence and biophysical properties (such as structural, functional, and spatial information, amino acid conservation, physicochemical variation, residue mobility, and thermodynamic stability) performed at Invitae indicates that this missense variant is expected to disrupt CYP11B1 protein function with a positive predictive value of 95%. Experimental studies have shown that this missense change affects CYP11B1 function (PMID: 22964742). This variant disrupts the p.Arg454 amino acid residue in CYP11B1. Other variant(s) that disrupt this residue have been observed in individuals with CYP11B1-related conditions (PMID: 25911436), which suggests that this may be a clinically significant amino acid residue. For these reasons, this variant has been classified as Pathogenic.

Juno Genomics, Hangzhou Juno Genomics, Inc
Classification: Pathogenic for Deficiency of steroid 11-beta-monooxygenase. Review status: criteria provided, single submitter. Criteria: ACMG Guidelines, 2015. Collection method: clinical testing. Allele origin: germline.
Comment: Absent from controls (or at extremely low frequency if recessive) in Genome Aggregation Database.;For recessive disorders, detected in trans with a pathogenic variant.;Patient's phenotype or family history is highly specific for a disease with a single genetic etiology.;Multiple lines of computational evidence support a deleterious effect on the gene or gene product.

Literature cited by the submitters: PubMed 20529578 (cited by Labcorp Genetics (formerly Invitae), Labcorp); PubMed 20947076 (cited by Labcorp Genetics (formerly Invitae), Labcorp); PubMed 22964742 (cited by Labcorp Genetics (formerly Invitae), Labcorp); PubMed 25911436 (cited by Labcorp Genetics (formerly Invitae), Labcorp).

NM_000497.4(CYP11B1):c.1360C>T (p.Arg454Cys)

Genes: CYP11B1 (cytochrome P450 family 11 subfamily B member 1; minus strand), LOC106799833 (CYP11B1 recombination region; plus strand). Cytogenetic location: 8q24.3.
Variant type: single nucleotide variant.
Coding change: c.1360C>T on transcript NM_000497.4 (MANE Select); coding-DNA position 1360, C replaced by T.
Protein change: p.Arg454Cys; replaces arginine 454 with cysteine.
Molecular consequence: missense variant. On other transcripts: intron variant (1).
Genome position (GRCh38, 1-based): chr8:142,874,995, G>A on the plus strand (C>T on the coding strand, the complement: CYP11B1 is on the minus strand). VCF-style: chr8-142874995-G-A. GRCh37 (hg19) VCF-style: chr8-143956411-G-A.
Other names: c.1200+239C>T (NM_001026213.1); short protein forms R454C.
Identifiers: ClinVar variation 646125 (VCV000646125.10), dbSNP rs1563867899, ClinGen allele CA372391380.
Genomic context (GRCh38, chr8:142,874,995, plus strand): 5'-TCCCCAGCCCGGGCCTGCTCACATGGTGCAGCAGCAGCAGCATCTCTGCCTCTGCCAGGC[G>A]CCGCCCAAGGCACTGGCGCATGCCAAAGCCAAAGGGCACGTGGTAGAAGTTCCTGCCGGA-3'
Protein context (NP_000488.3, residues 444-464): GFGMRQCLGR[Arg454Cys]LAEAEMLLLL